The following is an entry in ClinVar:

ClinVar aggregate classification (germline): Uncertain significance (1 of 4 stars; one submission).

Submission:

Labcorp Genetics (formerly Invitae), Labcorp
Classification: Uncertain significance. Last evaluated: 2025-07-09. Review status: criteria provided, single submitter. Criteria: Invitae Variant Classification Sherloc (09022015). Collection method: clinical testing. Allele origin: germline.
Comment: This sequence change replaces proline, which is neutral and non-polar, with arginine, which is basic and polar, at codon 79 of the RPS6KC1 protein (p.Pro79Arg). This variant is not present in population databases (gnomAD no frequency). This variant has not been reported in the literature in individuals affected with RPS6KC1-related conditions. An algorithm developed to predict the effect of missense changes on protein structure and function (PolyPhen-2) suggests that this variant is likely to be disruptive. In summary, the available evidence is currently insufficient to determine the role of this variant in disease. Therefore, it has been classified as a Variant of Uncertain Significance.

NM_012424.6(RPS6KC1):c.236C>G (p.Pro79Arg)

Gene: RPS6KC1 (ribosomal protein S6 kinase C1; plus strand). Cytogenetic location: 1q32.3.
Variant type: single nucleotide variant.
Coding change: c.236C>G on transcript NM_012424.6 (MANE Select); coding-DNA position 236, C replaced by G.
Protein change: p.Pro79Arg; replaces proline 79 with arginine.
Molecular consequence: missense variant. On other transcripts: 5 prime UTR variant (23), non-coding transcript variant (4), intron variant (4).
Genome position (GRCh38, 1-based): chr1:213,077,790, C>G. VCF-style: chr1-213077790-C-G. GRCh37 (hg19) VCF-style: chr1-213251132-C-G.
Other names: c.200C>G, p.Pro67Arg (NM_001136138.4); c.-386C>G (NM_001287218.3, NM_001349650.2, NM_001349653.2 and 1 more transcripts); c.-308C>G (NM_001287219.3, NM_001349649.2); c.-979C>G (NM_001287220.3, NM_001349666.2); c.236C>G, p.Pro79Arg (NM_001349646.2, NM_001349647.2); c.-377C>G (NM_001349648.2); c.-507C>G (NM_001349651.2); c.-457C>G (NM_001349652.2); and 13 more; short protein forms P79R, P67R.
Identifiers: ClinVar variation 4722857 (VCV004722857.1).
Genomic context (GRCh38, chr1:213,077,790, plus strand): 5'-AACTACACAAAGAACTATGGCAAATTCACAAAAACTTATTCCGACATTCAGAGTTGTTTC[C>G]TCCATTTGCTAAAGGAATAGTGTTTGGTAAGTGATTATTTTGAAATTGTAATTTAAAAAA-3'
Protein context (NP_036556.2, residues 69-89): KNLFRHSELF[Pro79Arg]PFAKGIVFGR